The following is an entry in ClinVar:

NC_000013.10:g.(?_32950787)_(32972907_?)dup

Gene: BRCA2 (BRCA2 DNA repair associated; plus strand). Cytogenetic location: 13q13.1.
Variant type: Duplication.
Identifiers: ClinVar variation 1039604 (VCV001039604.8).

ClinVar aggregate classification (germline): Uncertain significance (1 of 4 stars; one submission).

Conditions:
Hereditary breast ovarian cancer syndrome. Also called: Hereditary breast and ovarian cancer syndrome; Hereditary breast and ovarian cancer syndrome (HBOC); BRCA1- and BRCA2-Associated Hereditary Breast and Ovarian Cancer; Hereditary breast and ovarian cancer; Hereditary breast and/or ovarian cancer syndrome; Breast and ovarian cancer. Identifiers: Orphanet 145, MedGen C0677776, MeSH D061325, MONDO:0003582. Disease mechanism: loss of function.

Submission:

Labcorp Genetics (formerly Invitae), Labcorp
Classification: Uncertain significance for Hereditary breast ovarian cancer syndrome. Last evaluated: 2023-03-22. Review status: criteria provided, single submitter. Criteria: Invitae Variant Classification Sherloc (09022015). Collection method: clinical testing. Allele origin: germline.
Comment: In summary, the available evidence is currently insufficient to determine the role of this variant in disease. Therefore, it has been classified as a Variant of Uncertain Significance. Experimental studies and prediction algorithms are not available or were not evaluated, and the functional significance of this variant is currently unknown. This variant has not been reported in the literature in individuals affected with BRCA2-related conditions. This variant results in a copy number gain of the genomic region encompassing exon(s) 21-27 of the BRCA2 gene. This region includes the termination codon of the gene. This copy number gain extends beyond the assayed region for this gene and therefore may encompass additional genes. As the precise location of this event is unknown, it may be in tandem or it may be located elsewhere in the genome.